The following is an entry in ClinVar:

ClinVar aggregate classification (germline): Pathogenic/Likely pathogenic. Review status: criteria provided, multiple submitters, no conflicts (2 of 4 stars). 4 submissions from 4 submitters: Pathogenic (2); Likely pathogenic (2). Last evaluated 2025-09-03.

Conditions:
Developmental and epileptic encephalopathy, 9 (DEE9). Also called: JUBERG-HELLMAN SYNDROME; PCDH19-Related X-Linked Female-Limited Epilepsy with Mental Retardation; Early infantile epileptic encephalopathy 9; EPILEPSY, FEMALE-RESTRICTED, WITH MENTAL RETARDATION. Identifiers: Orphanet 101039, Orphanet 2076, MedGen C1848137, MONDO:0010246, OMIM 300088. Disease mechanism: loss of function.

Submissions (4):

3billion
Classification: Pathogenic for Developmental and epileptic encephalopathy, 9. Last evaluated: 2025-09-03. Review status: criteria provided, single submitter. Criteria: ACMG Guidelines, 2015. Collection method: clinical testing. Allele origin: germline. Affected: yes.
Comment: The variant is not observed in the gnomAD v4.1.0 dataset. Predicted Consequence/Location: Stop-gained (nonsense): predicted to result in a loss or disruption of normal protein function through nonsense-mediated decay (NMD) or protein truncation. Multiple pathogenic variants are reported downstream of the variant. The variant has been reported at least twice as pathogenic with clinical assertions and evidence for the classification (ClinVar ID: VCV000445698). Therefore, this variant is classified as Pathogenic according to the recommendation of ACMG/AMP guideline.

Labcorp Genetics (formerly Invitae), Labcorp
Classification: Pathogenic for Developmental and epileptic encephalopathy, 9. Last evaluated: 2024-10-25. Review status: criteria provided, single submitter. Criteria: Invitae Variant Classification Sherloc (09022015). Collection method: clinical testing. Allele origin: germline.
Comment: This sequence change creates a premature translational stop signal (p.Tyr605*) in the PCDH19 gene. It is expected to result in an absent or disrupted protein product. Loss-of-function variants in PCDH19 are known to be pathogenic (PMID: 21053371). This variant is not present in population databases (gnomAD no frequency). This variant has not been reported in the literature in individuals affected with PCDH19-related conditions. ClinVar contains an entry for this variant (Variation ID: 445698). For these reasons, this variant has been classified as Pathogenic.

Center for Pediatric Genomic Medicine, Children's Mercy Hospital and Clinics
Classification: Likely pathogenic. Last evaluated: 2017-05-03. Review status: criteria provided, single submitter. Criteria: ACMG Guidelines, 2015. Collection method: clinical testing. Allele origin: germline.

Center for Human Genetics, Inc
Classification: Likely pathogenic for Developmental and epileptic encephalopathy, 9. Last evaluated: 2016-11-01. Review status: criteria provided, single submitter. Criteria: ACMG Guidelines, 2015. Collection method: clinical testing. Allele origin: germline. Affected: yes.

Literature cited by the submitters: PubMed 21053371 (cited by Labcorp Genetics (formerly Invitae), Labcorp).

NM_001184880.2(PCDH19):c.1815C>G (p.Tyr605Ter)

Gene: PCDH19 (protocadherin 19; minus strand). Cytogenetic location: Xq22.1.
Variant type: single nucleotide variant.
Coding change: c.1815C>G on transcript NM_001184880.2 (MANE Select); coding-DNA position 1815, C replaced by G.
Protein change: p.Tyr605Ter; replaces tyrosine 605 with a stop codon.
Molecular consequence: nonsense.
Genome position (GRCh38, 1-based): chrX:100,406,783, G>C on the plus strand (C>G on the coding strand, the complement: PCDH19 is on the minus strand). VCF-style: chrX-100406783-G-C. GRCh37 (hg19) VCF-style: chrX-99661781-G-C.
Other names: c.1815C>G, p.Tyr605Ter (NM_001105243.2, NM_020766.3); short protein forms Y605*.
Identifiers: ClinVar variation 445698 (VCV000445698.11), dbSNP rs1057521256, ClinGen allele CA414001912.
Genomic context (GRCh38, chrX:100,406,783, plus strand): 5'-TCTGACTTCGCCATTGACCTGGTCTATTTCAAAGAAGCCGCGGTCGCCCTCGGTCATGTC[G>C]TAGGTGACTCGGCCATTTTCGCCCTCATCGTAGTCTTCTGCCTTGACAACAGTCACCAGG-3'